The following is an entry in ClinVar:

ClinVar aggregate classification (germline): Pathogenic (1 of 4 stars; one submission).

Conditions:
MYO7A-related disorder. Also called: MYO7A-related disorders.

Submission:

3billion
Classification: Pathogenic for MYO7A-related disorder. Last evaluated: 2024-08-12. Review status: criteria provided, single submitter. Criteria: ACMG Guidelines, 2015. Collection method: clinical testing. Allele origin: germline. Affected: yes.
Comment: The variant is not observed in the gnomAD v4.0.0 dataset. Predicted Consequence/Location: Frameshift: predicted to result in a loss or disruption of normal protein function through nonsense-mediated decay (NMD) or protein truncation. Multiple pathogenic variants are reported downstream of the variant. Therefore, this variant is classified as Pathogenic according to the recommendation of ACMG/AMP guideline.

NM_000260.4(MYO7A):c.4800dup (p.Leu1601fs)

Gene: MYO7A (myosin VIIA; plus strand). Cytogenetic location: 11q13.5.
Variant type: Duplication.
Coding change: c.4800dup on transcript NM_000260.4 (MANE Select); coding-DNA position 4800, one base duplicated (G; older notation c.4800dupG).
Protein change: p.Leu1601fs; shifts the reading frame from leucine 1601.
Molecular consequence: frameshift variant.
Genome position (GRCh38, 1-based): chr11:77,199,766, G duplicated; the last of 4 consecutive G bases (chr11:77,199,763-77,199,766); duplicating any one gives the same sequence. VCF-style (leftmost placement, unchanged base first): chr11-77199762-A-AG. GRCh37 (hg19) VCF-style: chr11-76910807-A-AG.
Other names: c.4686dup, p.Leu1563fs (NM_001127180.2); c.4653dup, p.Leu1552fs (NM_001369365.1); short protein forms L1552fs, L1563fs, L1601fs.
Identifiers: ClinVar variation 4294069 (VCV004294069.1).